The following is an entry in ClinVar:

ClinVar aggregate classification (germline): Uncertain significance (1 of 4 stars; one submission).

Allele frequency attached by ClinVar (database versions not stated): gnomAD 0.00001; gnomAD exomes 0.00001; TOPMed 0.00001; ExAC 0.00002.
gnomAD v4.1: 21 of 1,613,958 alleles (0.0013%); highest among the groups gnomAD compares: Non-Finnish European, 0.0016%; no homozygotes.

Submission:

Labcorp Genetics (formerly Invitae), Labcorp
Classification: Uncertain significance. Last evaluated: 2025-09-28. Review status: criteria provided, single submitter. Criteria: Invitae Variant Classification Sherloc (09022015). Collection method: clinical testing. Allele origin: germline.
Comment: This sequence change replaces isoleucine, which is neutral and non-polar, with valine, which is neutral and non-polar, at codon 543 of the PRPF3 protein (p.Ile543Val). This variant is present in population databases (rs782256620, gnomAD 0.004%). This variant has not been reported in the literature in individuals affected with PRPF3-related conditions. ClinVar contains an entry for this variant (Variation ID: 1912854). Invitae Evidence Modeling of protein sequence and biophysical properties (such as structural, functional, and spatial information, amino acid conservation, physicochemical variation, residue mobility, and thermodynamic stability) indicates that this missense variant is not expected to disrupt PRPF3 protein function with a negative predictive value of 95%. In summary, the available evidence is currently insufficient to determine the role of this variant in disease. Therefore, it has been classified as a Variant of Uncertain Significance.

NM_004698.4(PRPF3):c.1627A>G (p.Ile543Val)

Gene: PRPF3 (pre-mRNA processing factor 3; plus strand). Cytogenetic location: 1q21.2.
Variant type: single nucleotide variant.
Coding change: c.1627A>G on transcript NM_004698.4 (MANE Select); coding-DNA position 1627, A replaced by G.
Protein change: p.Ile543Val; replaces isoleucine 543 with valine.
Molecular consequence: missense variant. On other transcripts: non-coding transcript variant (4).
Genome position (GRCh38, 1-based): chr1:150,344,534, A>G. VCF-style: chr1-150344534-A-G. GRCh37 (hg19) VCF-style: chr1-150317010-A-G.
Other names: c.1222A>G, p.Ile408Val (NM_001350529.1); short protein forms I408V, I543V.
Identifiers: ClinVar variation 1912854 (VCV001912854.5), dbSNP rs782256620, ClinGen allele CA1075667.